The following is an entry in ClinVar:

NM_006734.4(HIVEP2):c.1924C>T (p.Arg642Trp)

Gene: HIVEP2 (HIVEP zinc finger 2; minus strand). Cytogenetic location: 6q24.2.
Variant type: single nucleotide variant.
Coding change: c.1924C>T on transcript NM_006734.4 (MANE Select); coding-DNA position 1924, C replaced by T.
Protein change: p.Arg642Trp; replaces arginine 642 with tryptophan.
Molecular consequence: missense variant.
Genome position (GRCh38, 1-based): chr6:142,772,815, G>A on the plus strand (C>T on the coding strand, the complement: HIVEP2 is on the minus strand). VCF-style: chr6-142772815-G-A. GRCh37 (hg19) VCF-style: chr6-143093952-G-A.
Other names: c.1924C>T (NM_006734.3); short protein forms R642W.
Identifiers: ClinVar variation 2176818 (VCV002176818.7), dbSNP rs756996747, ClinGen allele CA4028512.

ClinVar aggregate classification (germline): Likely benign. Review status: criteria provided, multiple submitters, no conflicts (2 of 4 stars). 3 submissions from 3 submitters: Likely benign (3). Last evaluated 2026-04-01.

Conditions:
Inborn genetic diseases. Identifiers: MedGen C0950123, MeSH D030342.

Allele frequency attached by ClinVar (database versions not stated): gnomAD exomes 0.00003; TOPMed 0.00003; ExAC 0.00005.
gnomAD v4.1: 38 of 1,614,142 alleles (0.0024%); highest among the groups gnomAD compares: Admixed American, 0.02%; 1 homozygote.

Submissions (3):

CeGaT Center for Human Genetics Tuebingen
Classification: Likely benign. Last evaluated: 2026-04-01. Review status: criteria provided, single submitter. Criteria: CeGaT Center For Human Genetics Tuebingen Variant Classification Criteria Version 2. Collection method: clinical testing. Allele origin: germline. Affected: yes. Observed: 2 variant alleles.
Comment: HIVEP2: BP4, BS2

Labcorp Genetics (formerly Invitae), Labcorp
Classification: Likely benign. Last evaluated: 2025-08-18. Review status: criteria provided, single submitter. Criteria: Invitae Variant Classification Sherloc (09022015). Collection method: clinical testing. Allele origin: germline.

Ambry Genetics
Classification: Likely benign for Inborn genetic diseases. Last evaluated: 2022-03-03. Review status: criteria provided, single submitter. Criteria: Ambry Variant Classification Scheme 2023. Collection method: clinical testing. Allele origin: germline.